The following is an entry in ClinVar:

ClinVar aggregate classification (germline): Uncertain significance (1 of 4 stars; one submission).

Allele frequency attached by ClinVar (database versions not stated): gnomAD exomes below 0.00001; gnomAD 0.00001; TOPMed 0.00001.
gnomAD v4.1: 5 of 1,560,180 alleles (0.00032%); highest among the groups gnomAD compares: Admixed American, 0.0019%; no homozygotes.

Submission:

Labcorp Genetics (formerly Invitae), Labcorp
Classification: Uncertain significance. Last evaluated: 2022-11-04. Review status: criteria provided, single submitter. Criteria: Invitae Variant Classification Sherloc (09022015). Collection method: clinical testing. Allele origin: germline.
Comment: This sequence change replaces glycine, which is neutral and non-polar, with alanine, which is neutral and non-polar, at codon 453 of the GRIN2D protein (p.Gly453Ala). This variant is present in population databases (no rsID available, gnomAD 0.002%). This variant has not been reported in the literature in individuals affected with GRIN2D-related conditions. Advanced modeling of protein sequence and biophysical properties (such as structural, functional, and spatial information, amino acid conservation, physicochemical variation, residue mobility, and thermodynamic stability) performed at Invitae indicates that this missense variant is not expected to disrupt GRIN2D protein function. In summary, the available evidence is currently insufficient to determine the role of this variant in disease. Therefore, it has been classified as a Variant of Uncertain Significance.

NM_000836.4(GRIN2D):c.1358G>C (p.Gly453Ala)

Gene: GRIN2D (glutamate ionotropic receptor NMDA type subunit 2D; plus strand). Cytogenetic location: 19q13.33.
Variant type: single nucleotide variant.
Coding change: c.1358G>C on transcript NM_000836.4 (MANE Select); coding-DNA position 1358, G replaced by C.
Protein change: p.Gly453Ala; replaces glycine 453 with alanine.
Molecular consequence: missense variant.
Genome position (GRCh38, 1-based): chr19:48,414,530, G>C. VCF-style: chr19-48414530-G-C. GRCh37 (hg19) VCF-style: chr19-48917787-G-C.
Other names: short protein forms G453A.
Identifiers: ClinVar variation 2993036 (VCV002993036.3), dbSNP rs1322587826, ClinGen allele CA406695411.
Genomic context (GRCh38, chr19:48,414,530, plus strand): 5'-CGGTGGCCACGCTGGAGGAAAGGCCGTTTGTCATCGTGGAGCCTGCAGACCCTATCAGCG[G>C]CACCTGCATCCGAGACTCCGTCCCCTGCCGGAGCCAGCTCAACCGAACCCACAGGTGACA-3'
Protein context (NP_000827.2, residues 443-463): VIVEPADPIS[Gly453Ala]TCIRDSVPCR